The following is an entry in ClinVar:

NM_001868.4(CPA1):c.92C>A (p.Ala31Asp)

Gene: CPA1 (carboxypeptidase A1; plus strand). Cytogenetic location: 7q32.2.
Variant type: single nucleotide variant.
Coding change: c.92C>A on transcript NM_001868.4 (MANE Select); coding-DNA position 92, C replaced by A.
Protein change: p.Ala31Asp; replaces alanine 31 with aspartic acid.
Molecular consequence: missense variant.
Genome position (GRCh38, 1-based): chr7:130,381,124, C>A. VCF-style: chr7-130381124-C-A. GRCh37 (hg19) VCF-style: chr7-130020965-C-A.
Other names: short protein forms A31D.
Identifiers: ClinVar variation 3835753 (VCV003835753.1).

ClinVar aggregate classification (germline): Uncertain significance (1 of 4 stars; one submission).

Conditions:
Hereditary pancreatitis (PCTT). Also called: PRSS1-Related Hereditary Pancreatitis; Hereditary chronic pancreatitis. Identifiers: Orphanet 676, MedGen C0238339, MONDO:0008185, OMIM 167800.

Submission:

Ambry Genetics
Classification: Uncertain significance for Hereditary pancreatitis. Last evaluated: 2025-01-05. Review status: criteria provided, single submitter. Criteria: Ambry Variant Classification Scheme 2023. Collection method: clinical testing. Allele origin: germline.
Comment: The p.A31D variant (also known as c.92C>A), located in coding exon 2 of the CPA1 gene, results from a C to A substitution at nucleotide position 92. The alanine at codon 31 is replaced by aspartic acid, an amino acid with dissimilar properties. This amino acid position is conserved. In addition, this alteration is predicted to be tolerated by in silico analysis. Based on the available evidence, the clinical significance of this variant remains unclear.